The following is an entry in ClinVar:

ClinVar aggregate classification (germline): Likely pathogenic (0 of 4 stars; one submission).

Conditions:
TCTN1-related disorder. Also called: TCTN1-related condition.

gnomAD v4.1: 2 of 1,613,858 alleles (0.00012%); highest among the groups gnomAD compares: Non-Finnish European, 0.00017%; no homozygotes.

Submission:

PreventionGenetics, part of Exact Sciences
Classification: Likely pathogenic for TCTN1-related condition. Last evaluated: 2024-03-06. Review status: no assertion criteria provided. Collection method: clinical testing. Allele origin: germline.
Comment: The TCTN1 c.625-2A>G variant is predicted to disrupt the AG splice acceptor site and interfere with normal splicing. To our knowledge, this variant has not been reported in the literature or in a large population database, indicating this variant is rare. Variants that disrupt the consensus splice acceptor site in TCTN1 are expected to be pathogenic. This variant is interpreted as likely pathogenic.

NM_001082538.3(TCTN1):c.625-2A>G

Gene: TCTN1 (tectonic family member 1; plus strand). Cytogenetic location: 12q24.11.
Variant type: single nucleotide variant.
Coding change: c.625-2A>G on transcript NM_001082538.3 (MANE Select); the canonical splice acceptor site of the intron before coding-DNA position 625, A replaced by G.
Molecular consequence: splice acceptor variant.
Genome position (GRCh38, 1-based): chr12:110,632,470, A>G. VCF-style: chr12-110632470-A-G. GRCh37 (hg19) VCF-style: chr12-111070275-A-G.
Other names: c.457-2A>G (NM_001173975.3); c.445-2A>G (NM_001173976.2); c.91-2A>G (NM_001319681.2); c.625-2A>G (NM_024549.6, NM_001082537.3, NM_001319680.2).
Identifiers: ClinVar variation 3349022 (VCV003349022.1), dbSNP rs2136045792.